The following is an entry in ClinVar:

ClinVar aggregate classification (germline): Pathogenic. Review status: criteria provided, multiple submitters, no conflicts (2 of 4 stars). 5 submissions from 5 submitters: Pathogenic (5). Last evaluated 2026-03-06.

Conditions:
Familial adenomatous polyposis 1 (FAP1). Also called: POLYPOSIS, ADENOMATOUS INTESTINAL; FAMILIAL ADENOMATOUS POLYPOSIS 1, ATTENUATED. Identifiers: MedGen C2713442, MONDO:0021056, OMIM 175100. Disease mechanism: loss of function.
Hereditary cancer-predisposing syndrome. Also called: Tumor predisposition; Hereditary neoplastic syndrome; Hereditary Cancer Syndrome; Neoplastic Syndromes, Hereditary. Identifiers: Orphanet 140162, MedGen C0027672, MeSH D009386, MONDO:0015356.

Submissions (5):

Ambry Genetics
Classification: Pathogenic for Hereditary cancer-predisposing syndrome. Last evaluated: 2026-03-06. Review status: criteria provided, single submitter. Criteria: Ambry Variant Classification Scheme 2023. Collection method: clinical testing. Allele origin: germline.
Comment: The c.2483delC pathogenic mutation, located in coding exon 15 of the APC gene, results from a deletion of one nucleotide at nucleotide position 2483, causing a translational frameshift with a predicted alternate stop codon (p.T828Ifs*14). This variant was reported in individual(s) with features consistent with APC-related familial adenomatous polyposis (Ambry internal data).This alteration is expected to result in loss of function by premature protein truncation or nonsense-mediated mRNA decay. As such, this alteration is interpreted as a disease-causing mutation.

Labcorp Genetics (formerly Invitae), Labcorp
Classification: Pathogenic for Familial adenomatous polyposis 1. Last evaluated: 2025-10-15. Review status: criteria provided, single submitter. Criteria: Invitae Variant Classification Sherloc (09022015). Collection method: clinical testing. Allele origin: germline.
Comment: This sequence change creates a premature translational stop signal (p.Thr828Ilefs*14) in the APC gene. While this is not anticipated to result in nonsense mediated decay, it is expected to disrupt the last 2016 amino acid(s) of the APC protein. This variant is not present in population databases (gnomAD no frequency). This premature translational stop signal has been observed in individual(s) with familial adenomatous polyposis (PMID: 11247896). ClinVar contains an entry for this variant (Variation ID: 283339). This variant is expected to disrupt the EB1 and HDLG binding sites, which mediate interactions with the cytoskeleton (PMID: 15311282, 17293347). While functional studies have not been performed to directly test the effect on APC protein function, this suggests that disruption of the C-terminal portion of the protein is functionally important. A different truncation (p.Tyr2645Lysfs*14) that lies downstream of this variant has been determined to be pathogenic (PMID: 9824584, 1316610, 27081525, 8381579, 22135120, internal data). This suggests that deletion of this region of the APC protein is causative of disease. For these reasons, this variant has been classified as Pathogenic.

Myriad Genetics, Inc.
Classification: Pathogenic for Familial adenomatous polyposis 1. Last evaluated: 2023-05-04. Review status: criteria provided, single submitter. Criteria: Myriad Autosomal Dominant, Autosomal Recessive and X-Linked Classification Criteria (2023). Collection method: clinical testing. Allele origin: unknown.
Comment: This variant is considered pathogenic. This variant creates a frameshift predicted to result in premature protein truncation.

Eurofins Ntd Llc (ga)
Classification: Pathogenic. Last evaluated: 2017-09-25. Review status: criteria provided, single submitter. Criteria: EGL Classification Definitions 2015. Collection method: clinical testing. Allele origin: germline. Observed: 2 variant alleles, 2 heterozygotes.

GeneDx
Classification: Pathogenic. Last evaluated: 2014-11-13. Review status: criteria provided, single submitter. Criteria: GeneDx Variant Classification (06012015). Collection method: clinical testing. Allele origin: germline. Affected: yes.
Comment: This deletion of one nucleotide in APC is denoted c.2483delC at the cDNA level and p.Thr828IlefsX14 (T828IfsX14) at the protein level. The normal sequence, with the bases that are deleted in brackets, is AATA[C]TACA. The deletion causes a frameshift, which changes a Threonine to an Isoleucine at codon 828, and creates a premature stop codon at position 14 of the new reading frame. This variant is predicted to cause loss of normal protein function through protein truncation. APC c.2483delC has been observed in a individual with a clinical diagnosis of familial adenomatous polyposis (Friedl 2001). we consider this variant to be pathogenic.

Literature cited by the submitters: PubMed 11247896 (cited by Labcorp Genetics (formerly Invitae), Labcorp and Eurofins Ntd Llc (ga)); PubMed 15311282 (cited by Labcorp Genetics (formerly Invitae), Labcorp); PubMed 17293347 (cited by Labcorp Genetics (formerly Invitae), Labcorp); PubMed 9824584 (cited by Labcorp Genetics (formerly Invitae), Labcorp); PubMed 1316610 (cited by Labcorp Genetics (formerly Invitae), Labcorp); PubMed 27081525 (cited by Labcorp Genetics (formerly Invitae), Labcorp); PubMed 8381579 (cited by Labcorp Genetics (formerly Invitae), Labcorp); PubMed 22135120 (cited by Labcorp Genetics (formerly Invitae), Labcorp).

NM_000038.6(APC):c.2483del (p.Thr828fs)

Gene: APC (APC regulator of Wnt signaling pathway; plus strand). Cytogenetic location: 5q22.2.
Variant type: Deletion.
Coding change: c.2483del on transcript NM_000038.6 (MANE Select); coding-DNA position 2483, one base deleted (C; older notation c.2483delC).
Protein change: p.Thr828fs; shifts the reading frame from threonine 828.
Molecular consequence: frameshift variant.
Genome position (GRCh38, 1-based): chr5:112,838,077, C deleted. VCF-style (leftmost placement, unchanged base first): chr5-112838076-AC-A. GRCh37 (hg19) VCF-style: chr5-112173773-AC-A.
Other names: c.2483del, p.Thr828fs (NM_001127510.3, NM_001354895.2); c.2429del, p.Thr810fs (NM_001127511.3); c.2537del, p.Thr846fs (NM_001354896.2); c.2513del, p.Thr838fs (NM_001354897.2); c.2408del, p.Thr803fs (NM_001354898.2); c.2399del, p.Thr800fs (NM_001354899.2); c.2360del, p.Thr787fs (NM_001354900.2); c.2306del, p.Thr769fs (NM_001354901.2); and 6 more; short protein forms T545fs, T668fs, T727fs, T800fs, T803fs, T769fs, T787fs, T810fs.
Identifiers: ClinVar variation 283339 (VCV000283339.23), dbSNP rs886042600, ClinGen allele CA10604463.